The following is an entry in ClinVar:

ClinVar aggregate classification (germline): Uncertain significance. Review status: criteria provided, multiple submitters, no conflicts (2 of 4 stars). 2 submissions from 2 submitters: Uncertain significance (2). Last evaluated 2025-05-30.

Allele frequency attached by ClinVar (database versions not stated): TOPMed 0.00002.
gnomAD v4.1: 36 of 1,613,828 alleles (0.0022%); highest among the groups gnomAD compares: Admixed American, 0.0067%; no homozygotes.

Submissions (2):

Labcorp Genetics (formerly Invitae), Labcorp
Classification: Uncertain significance. Last evaluated: 2025-05-30. Review status: criteria provided, single submitter. Criteria: Invitae Variant Classification Sherloc (09022015). Collection method: clinical testing. Allele origin: germline.
Comment: This sequence change replaces arginine, which is basic and polar, with tryptophan, which is neutral and slightly polar, at codon 546 of the SLC13A3 protein (p.Arg546Trp). This variant is present in population databases (rs745929927, gnomAD 0.006%). This variant has not been reported in the literature in individuals affected with SLC13A3-related conditions. ClinVar contains an entry for this variant (Variation ID: 2187941). Invitae Evidence Modeling of protein sequence and biophysical properties (such as structural, functional, and spatial information, amino acid conservation, physicochemical variation, residue mobility, and thermodynamic stability) indicates that this missense variant is expected to disrupt SLC13A3 protein function with a positive predictive value of 80%. In summary, the available evidence is currently insufficient to determine the role of this variant in disease. Therefore, it has been classified as a Variant of Uncertain Significance.

Ambry Genetics
Classification: Uncertain significance. Last evaluated: 2023-12-07. Review status: criteria provided, single submitter. Criteria: Ambry Variant Classification Scheme 2023. Collection method: clinical testing. Allele origin: germline.

NM_022829.6(SLC13A3):c.1636C>T (p.Arg546Trp)

Gene: SLC13A3 (solute carrier family 13 member 3; minus strand). Cytogenetic location: 20q13.12.
Variant type: single nucleotide variant.
Coding change: c.1636C>T on transcript NM_022829.6 (MANE Select); coding-DNA position 1636, C replaced by T.
Protein change: p.Arg546Trp; replaces arginine 546 with tryptophan.
Molecular consequence: missense variant.
Genome position (GRCh38, 1-based): chr20:46,560,195, G>A on the plus strand (C>T on the coding strand, the complement: SLC13A3 is on the minus strand). VCF-style: chr20-46560195-G-A. GRCh37 (hg19) VCF-style: chr20-45188834-G-A.
Other names: c.1495C>T, p.Arg499Trp (NM_001011554.3); c.1486C>T, p.Arg496Trp (NM_001193339.2); c.1390C>T, p.Arg464Trp (NM_001193340.2); c.1342C>T, p.Arg448Trp (NM_001193342.2); c.1636C>T (NM_022829.5); short protein forms R448W, R499W, R496W, R546W, R464W.
Identifiers: ClinVar variation 2187941 (VCV002187941.5), dbSNP rs745929927, ClinGen allele CA9891177.